The following is an entry in ClinVar:

NM_000369.5(TSHR):c.801_810del (p.Leu267fs)

Genes: TSHR (thyroid stimulating hormone receptor; plus strand), TSHR-AS1 (TSHR antisense RNA 1; minus strand). Cytogenetic location: 14q31.1.
Variant type: Deletion.
Coding change: c.801_810del on transcript NM_000369.5 (MANE Select); coding-DNA positions 801 to 810, 10 bases deleted (GAGTTTCCTT; older notation c.801_810delGAGTTTCCTT).
Protein change: p.Leu267fs; shifts the reading frame from leucine 267.
Molecular consequence: frameshift variant.
Genome position (GRCh38, 1-based): chr14:81,139,787-81,139,796, GAGTTTCCTT deleted; deleting any 10 consecutive bases within chr14:81,139,780-81,139,796 gives the same sequence; the c. name uses the placement nearest the transcript's 3' end. VCF-style (leftmost placement, unchanged base first): chr14-81139779-CTTTCCTTGAG-C. GRCh37 (hg19) VCF-style: chr14-81606123-CTTTCCTTGAG-C.
Other names: short protein forms L267fs.
Identifiers: ClinVar variation 3016055 (VCV003016055.4), dbSNP rs1320718774, ClinGen allele CA615669742.

ClinVar aggregate classification (germline): Pathogenic/Likely pathogenic. Review status: criteria provided, multiple submitters, no conflicts (2 of 4 stars). 2 submissions from 2 submitters: Pathogenic (1); Likely pathogenic (1). Last evaluated 2024-06-10.

Conditions:
Familial hyperthyroidism due to mutations in TSH receptor. Also called: HYPERTHYROIDISM, CONGENITAL NONAUTOIMMUNE; HYPERTHYROIDISM, NONAUTOIMMUNE, AUTOSOMAL DOMINANT; TOXIC THYROID HYPERPLASIA, AUTOSOMAL DOMINANT. Identifiers: Orphanet 424, MedGen C1836706, MONDO:0012203, OMIM 609152.
Familial gestational hyperthyroidism. Identifiers: Orphanet 99819, MedGen C1863959, MONDO:0011309, OMIM 603373.
Hypothyroidism due to TSH receptor mutations. Also called: Hypothyroidism, congenital, nongoitrous, 1; HYPOTHYROIDISM DUE TO UNRESPONSIVENESS TO THYROTROPIN; HYPOTHYROIDISM, CONGENITAL, DUE TO TSH RESISTANCE; HYPOTHYROIDISM, NONAUTOIMMUNE; THYROID-STIMULATING HORMONE, RESISTANCE TO; TSH RESISTANCE. Identifiers: Orphanet 90673, MedGen C3493776, MONDO:0010142, OMIM 275200.

Submissions (2):

Fulgent Genetics
Classification: Likely pathogenic for Hypothyroidism due to TSH receptor mutations; Familial gestational hyperthyroidism; Familial hyperthyroidism due to mutations in TSH receptor. Last evaluated: 2024-06-10. Review status: criteria provided, single submitter. Criteria: ACMG Guidelines, 2015. Collection method: clinical testing. Allele origin: germline.

Labcorp Genetics (formerly Invitae), Labcorp
Classification: Pathogenic. Last evaluated: 2023-11-29. Review status: criteria provided, single submitter. Criteria: Invitae Variant Classification Sherloc (09022015). Collection method: clinical testing. Allele origin: germline.
Comment: This sequence change creates a premature translational stop signal (p.Leu267Phefs*30) in the TSHR gene. While this is not anticipated to result in nonsense mediated decay, it is expected to disrupt the last 498 amino acid(s) of the TSHR protein. This variant is present in population databases (no rsID available, gnomAD 0.01%). This variant has not been reported in the literature in individuals affected with TSHR-related conditions. This variant disrupts a region of the TSHR protein in which other variant(s) (p.Thr655Cysfs*2) have been determined to be pathogenic (PMID: 9589691, 12050212, 22049173). This suggests that this is a clinically significant region of the protein, and that variants that disrupt it are likely to be disease-causing. For these reasons, this variant has been classified as Pathogenic.

Literature cited by the submitters: PubMed 9589691 (cited by Labcorp Genetics (formerly Invitae), Labcorp); PubMed 12050212 (cited by Labcorp Genetics (formerly Invitae), Labcorp); PubMed 22049173 (cited by Labcorp Genetics (formerly Invitae), Labcorp).